The following is an entry in ClinVar:

ClinVar aggregate classification (germline): Likely pathogenic (1 of 4 stars; one submission).

Conditions:
Spondyloepimetaphyseal dysplasia, aggrecan type. Also called: SEMD, AGGRECAN TYPE. Identifiers: Orphanet 171866, MedGen C2748544, MONDO:0013014, OMIM 612813.
Spondyloepiphyseal dysplasia, Kimberley type. Identifiers: Orphanet 93283, MedGen C1842149, MONDO:0012019, OMIM 608361.
Short stature and advanced bone age, with or without early-onset osteoarthritis and/or osteochondritis dissecans (SSOAOD). Identifiers: Orphanet 251262, MedGen C3665488, MONDO:0100462, OMIM 165800.

Submission:

Juno Genomics, Hangzhou Juno Genomics, Inc
Classification: Likely pathogenic for Spondyloepiphyseal dysplasia, Kimberley type; Short stature and advanced bone age, with or without early-onset osteoarthritis and/or osteochondritis dissecans; Spondyloepimetaphyseal dysplasia, aggrecan type. Review status: criteria provided, single submitter. Criteria: ACMG Guidelines, 2015. Collection method: clinical testing. Allele origin: germline.
Comment: Absent from controls (or at extremely low frequency if recessive) in Genome Aggregation Database.;Null variant in a gene where loss of function (LOF) is a known mechanism of disease.

NM_001369268.1(ACAN):c.247G>T (p.Glu83Ter)

Gene: ACAN (aggrecan; plus strand). Cytogenetic location: 15q26.1.
Variant type: single nucleotide variant.
Coding change: c.247G>T on transcript NM_001369268.1 (MANE Select); coding-DNA position 247, G replaced by T.
Protein change: p.Glu83Ter; replaces glutamic acid 83 with a stop codon.
Molecular consequence: nonsense.
Genome position (GRCh38, 1-based): chr15:88,838,839, G>T. VCF-style: chr15-88838839-G-T. GRCh37 (hg19) VCF-style: chr15-89382070-G-T.
Other names: c.247G>T, p.Glu83Ter (NM_001135.4, NM_001411096.1, NM_001411097.1 and 1 more transcripts); short protein forms E83*.
Identifiers: ClinVar variation 3764676 (VCV003764676.3).